The following is an entry in ClinVar:

ClinVar aggregate classification (germline): Likely benign. Review status: criteria provided, multiple submitters, no conflicts (2 of 4 stars). 2 submissions from 2 submitters: Likely benign (2). Last evaluated 2026-01-31.

Conditions:
COG7 congenital disorder of glycosylation (CDG2E). Also called: CONGENITAL DISORDER OF GLYCOSYLATION, TYPE IIe; CDG IIe. Identifiers: Orphanet 79333, MedGen C2931010, MONDO:0012118, OMIM 608779.

Allele frequency attached by ClinVar (database versions not stated): ExAC 0.00002; gnomAD 0.00004; TOPMed 0.00004; gnomAD exomes 0.00005 and 0.00010; ESP Exome Variant Server 0.00008.
gnomAD v4.1: 156 of 1,596,612 alleles (0.0098%); highest among the groups gnomAD compares: Middle Eastern, 0.066%; 1 homozygote.

Submissions (2):

Labcorp Genetics (formerly Invitae), Labcorp
Classification: Likely benign for COG7 congenital disorder of glycosylation. Last evaluated: 2026-01-31. Review status: criteria provided, single submitter. Criteria: Invitae Variant Classification Sherloc (09022015). Collection method: clinical testing. Allele origin: germline.

GeneDx
Classification: Likely benign. Last evaluated: 2017-01-19. Review status: criteria provided, single submitter. Criteria: GeneDx Variant Classification (06012015). Collection method: clinical testing. Allele origin: germline. Affected: yes.
Comment: This variant is considered likely benign or benign based on one or more of the following criteria: it is a conservative change, it occurs at a poorly conserved position in the protein, it is predicted to be benign by multiple in silico algorithms, and/or has population frequency not consistent with disease.

NM_153603.4(COG7):c.687+16C>T

Gene: COG7 (component of oligomeric golgi complex 7; minus strand). Cytogenetic location: 16p12.2.
Variant type: single nucleotide variant.
Coding change: c.687+16C>T on transcript NM_153603.4 (MANE Select); 16 bases into the intron after coding-DNA position 687, C replaced by T.
Molecular consequence: intron variant.
Genome position (GRCh38, 1-based): chr16:23,434,620, G>A on the plus strand (C>T on the coding strand, the complement: COG7 is on the minus strand). VCF-style: chr16-23434620-G-A. GRCh37 (hg19) VCF-style: chr16-23445941-G-A.
Identifiers: ClinVar variation 506788 (VCV000506788.8), dbSNP rs373095194, ClinGen allele CA7961229.